The following is an entry in ClinVar:

ClinVar aggregate classification (germline): Benign. Review status: criteria provided, multiple submitters, no conflicts (2 of 4 stars). 12 submissions from 10 submitters: Benign (10). 2 of the submissions do not count toward it. Last evaluated 2026-02-04.

Conditions:
Mucolipidosis type II. Also called: Mucolipidosis II Alpha/Beta; ML II ALPHA/BETA; Mucolipidosis 2; ML 2; Inclusion cell disease; Leroy Disease. Identifiers: Orphanet 576, MedGen C2673377, MONDO:0009650, OMIM 252500.
Pseudo-Hurler polydystrophy. Also called: MUCOLIPIDOSIS IIIA; ML III; ML III ALPHA/BETA; Type III Mucolipidosis; ML IIIA; Mucolipidosis III Alpha/Beta. Identifiers: Orphanet 423461, Orphanet 577, MedGen C0033788, MONDO:0018931, OMIM 252600.

Allele frequency attached by ClinVar (database versions not stated): gnomAD 0.09551 and 0.09708; 1000 Genomes Project 0.09784; 1000 Genomes Project 30x 0.09838; TOPMed 0.10263; ExAC 0.11404; gnomAD exomes 0.11576; ESP Exome Variant Server 0.09188.

Submissions (12):

Labcorp Genetics (formerly Invitae), Labcorp
Classification: Benign for Pseudo-Hurler polydystrophy; Mucolipidosis type II. Last evaluated: 2026-02-04. Review status: criteria provided, single submitter. Criteria: Invitae Variant Classification Sherloc (09022015). Collection method: clinical testing. Allele origin: germline.

Genome-Nilou Lab
Classification: Benign for Mucolipidosis type II. Last evaluated: 2021-07-01. Review status: criteria provided, single submitter. Criteria: ACMG Guidelines, 2015. Collection method: clinical testing. Allele origin: germline. Affected: no.

Genome-Nilou Lab
Classification: Benign for Pseudo-Hurler polydystrophy. Last evaluated: 2021-07-01. Review status: criteria provided, single submitter. Criteria: ACMG Guidelines, 2015. Collection method: clinical testing. Allele origin: germline. Affected: no.

GeneDx
Classification: Benign. Last evaluated: 2018-06-25. Review status: criteria provided, single submitter. Criteria: GeneDx Variant Classification Process June 2021. Collection method: clinical testing. Allele origin: germline. Affected: yes.

Illumina Laboratory Services, Illumina
Classification: Benign for Mucolipidosis type II. Last evaluated: 2018-01-13. Review status: criteria provided, single submitter. Criteria: ICSL Variant Classification Criteria 13 December 2019. Collection method: clinical testing. Allele origin: germline.
Comment: This variant was observed in the ICSL laboratory as part of a predisposition screen in an ostensibly healthy population. It had not been previously curated by ICSL or reported in the Human Gene Mutation Database (HGMD: prior to June 1st, 2018), and was therefore a candidate for classification through an automated scoring system. Utilizing variant allele frequency, disease prevalence and penetrance estimates, and inheritance mode, an automated score was calculated to assess if this variant is too frequent to cause the disease. Based on the score and internal cut-off values, a variant classified as benign is not then subjected to further curation. The score for this variant resulted in a classification of benign for this disease.

Illumina Laboratory Services, Illumina
Classification: Benign for Pseudo-Hurler polydystrophy. Last evaluated: 2018-01-13. Review status: criteria provided, single submitter. Criteria: ICSL Variant Classification Criteria 13 December 2019. Collection method: clinical testing. Allele origin: germline.
Comment: the same text as in the submission from Illumina Laboratory Services, Illumina above.

Women's Health and Genetics/Laboratory Corporation of America, LabCorp
Classification: Benign. Last evaluated: 2016-10-10. Review status: criteria provided, single submitter. Criteria: LabCorp Variant Classification Summary - May 2015. Collection method: clinical testing. Allele origin: germline.
Comment: Variant summary: The GNPTAB c.18G>A (p.Leu6Leu) variant causes a synonymous change involving a non-conserved nucleotide with 4/5 splice prediction tools predict no significant impact on normal splicing and ESE finder predicts that this variant may alter ESE binding. The variant of interest was observed in the large, broad control population, ExAC, with an allele frequency of 13109/114946 control chromosomes (1/8, 763 homozygotes), which significantly exceeds the estimated maximal expected allele frequency for a pathogenic GNPTAB variant of 1/447, suggesting this variant is likely a benign polymorphism. In addition, multiple clinical diagnostic laboratories/databases cite the variant as Benign. Therefore, the variant of interest has been classified as Benign.

Eurofins Ntd Llc (ga)
Classification: Benign. Last evaluated: 2014-05-20. Review status: criteria provided, single submitter. Criteria: EGL Classification Definitions 2015. Collection method: clinical testing. Allele origin: germline. Observed: 26 variant alleles, 25 heterozygotes, 1 homozygote.

Breakthrough Genomics
Classification: Benign. Review status: criteria provided, single submitter. Criteria: ACMG Guidelines, 2015. Collection method: not provided. Allele origin: germline. Inheritance: Autosomal recessive inheritance. Affected: yes.

PreventionGenetics, part of Exact Sciences
Classification: Benign. Review status: criteria provided, single submitter. Criteria: ACMG Guidelines, 2015. Collection method: clinical testing. Allele origin: germline.

Natera, Inc.
Classification: Benign for Mucolipidosis type II. Last evaluated: 2020-09-16. Review status: no assertion criteria provided. Collection method: clinical testing. Allele origin: germline. Not counted in ClinVar's aggregate classification.

Mayo Clinic Laboratories, Mayo Clinic
Classification: Benign. Last evaluated: 2015-10-20. Review status: no assertion criteria provided. Collection method: clinical testing. Allele origin: unknown. Not counted in ClinVar's aggregate classification.

Literature cited by the submitters: PubMed 20886637 (cited by Women's Health and Genetics/Laboratory Corporation of America, LabCorp).

NM_024312.5(GNPTAB):c.18G>A (p.Leu6=)

Gene: GNPTAB (N-acetylglucosamine-1-phosphate transferase subunits alpha and beta; minus strand). Cytogenetic location: 12q23.2.
Variant type: single nucleotide variant.
Coding change: c.18G>A on transcript NM_024312.5 (MANE Select); coding-DNA position 18, G replaced by A.
Protein change: p.Leu6=; no amino-acid change (leucine 6 retained).
Molecular consequence: synonymous variant.
Genome position (GRCh38, 1-based): chr12:101,830,658, C>T on the plus strand (G>A on the coding strand, the complement: GNPTAB is on the minus strand). VCF-style: chr12-101830658-C-T. GRCh37 (hg19) VCF-style: chr12-102224436-C-T.
Identifiers: ClinVar variation 96118 (VCV000096118.24), dbSNP rs4764655, ClinGen allele CA149252.